The following is an entry in ClinVar:

ClinVar aggregate classification (germline): Likely pathogenic (1 of 4 stars; one submission).

Conditions:
Permanent neonatal diabetes mellitus (PNDM). Identifiers: Orphanet 99885, MedGen C1833104, MONDO:0100164, MONDO:0011643. Disease mechanism: gain of function.

Submission:

Natera, Inc.
Classification: Likely pathogenic for Permanent neonatal diabetes mellitus. Last evaluated: 2025-02-04. Review status: criteria provided, single submitter. Criteria: Natera Variant Classification Schema (03/2026). Collection method: clinical testing. Allele origin: germline.
Comment: The c.123del variant in KCNJ11 is a frameshift variant predicted to shift the reading frame beginning at codon 42 and leads to a stop codon 88 codons downstream. This variant is expected to result in nonsense mediated decay, truncation, or a dysfunctional protein product. This variant is rare in the general population with a frequency below the threshold expected for the associated phenotype(s). Given the available evidence, this variant is classified as Likely Pathogenic.

NM_000525.4(KCNJ11):c.123del (p.Cys42fs)

Gene: KCNJ11 (potassium inwardly rectifying channel subfamily J member 11; minus strand). Cytogenetic location: 11p15.1.
Variant type: Deletion.
Coding change: c.123del on transcript NM_000525.4 (MANE Select); coding-DNA position 123, one base deleted (C; older notation c.123delC).
Protein change: p.Cys42fs; shifts the reading frame from cysteine 42.
Molecular consequence: frameshift variant. On other transcripts: intron variant (3).
Genome position (GRCh38, 1-based): chr11:17,387,969, G deleted on the plus strand (C on the coding strand, the reverse complement: KCNJ11 is on the minus strand). VCF-style (leftmost placement, unchanged base first): chr11-17387968-AG-A. GRCh37 (hg19) VCF-style: chr11-17409515-AG-A.
Other names: c.-16-123del (NM_001166290.2, NM_001377297.1); c.-17+49del (NM_001377296.1); short protein forms C42fs.
Identifiers: ClinVar variation 4069718 (VCV004069718.2).